The following is an entry in ClinVar:

ClinVar aggregate classification (germline): Pathogenic (1 of 4 stars; one submission).

Conditions:
Neurofibromatosis, type 1 (NF1). Also called: VON RECKLINGHAUSEN DISEASE; NEUROFIBROMATOSIS, TYPE I, SOMATIC; Peripheral type neurofibromatosis; Neurofibromatosis, type I. Identifiers: Orphanet 636, MedGen C0027831, MONDO:0018975, OMIM 162200. Disease mechanism: loss of function.

Submission:

Labcorp Genetics (formerly Invitae), Labcorp
Classification: Pathogenic for Neurofibromatosis, type 1. Last evaluated: 2017-05-02. Review status: criteria provided, single submitter. Criteria: Invitae Variant Classification Sherloc (09022015). Collection method: clinical testing. Allele origin: germline.
Comment: This sequence change deletes 1 nucleotide from exon 34 of the NF1 mRNA (c.4640delA), causing a frameshift at codon 1547. This creates a premature translational stop signal (p.Lys1547Serfs*6) and is expected to result in an absent or disrupted protein product. For these reasons, this variant has been classified as Pathogenic. Loss-of-function variants in NF1 are known to be pathogenic. This particular variant has been reported in an individual affected with neurofibromatosis type 1 (NF1) (PMID: 21354044).

Literature cited by the submitters: PubMed 21354044.

NM_001042492.3(NF1):c.4703del (p.Lys1568fs)

Gene: NF1 (neurofibromin 1; plus strand). Cytogenetic location: 17q11.2.
Variant type: Deletion.
Coding change: c.4703del on transcript NM_001042492.3 (MANE Select); coding-DNA position 4703, one base deleted (A; older notation c.4703delA).
Protein change: p.Lys1568fs; shifts the reading frame from lysine 1568.
Molecular consequence: frameshift variant.
Genome position (GRCh38, 1-based): chr17:31,261,836, A deleted; the last of 3 consecutive A bases (chr17:31,261,834-31,261,836); deleting any one gives the same sequence. VCF-style (leftmost placement, unchanged base first): chr17-31261833-CA-C. GRCh37 (hg19) VCF-style: chr17-29588851-CA-C.
Other names: c.4640delA, p.Lys1547Serfs (NM_000267.4); c.4640delA (NM_000267.3); short protein forms K1568fs, K1547fs.
Identifiers: ClinVar variation 457711 (VCV000457711.5), dbSNP rs1555619052, ClinGen allele CA658658585.